The following is an entry in ClinVar:

ClinVar aggregate classification (germline): Uncertain significance. Review status: criteria provided, multiple submitters, no conflicts (2 of 4 stars). 3 submissions from 3 submitters: Uncertain significance (3). Last evaluated 2025-10-17.

Conditions:
Cardiovascular phenotype. Identifiers: MedGen CN230736.
Progressive familial heart block type IB (PFHB1B). Identifiers: Orphanet 871, MedGen C1970298, MONDO:0011474, OMIM 604559.
Erythrokeratodermia variabilis et progressiva 6. Identifiers: MedGen C5193144, MONDO:0032801, OMIM 618531.

Allele frequency attached by ClinVar (database versions not stated): gnomAD 0.00001; TOPMed 0.00002.
gnomAD v4.1: 19 of 1,613,672 alleles (0.0012%); highest among the groups gnomAD compares: South Asian, 0.0022%; no homozygotes.

Submissions (3):

Ambry Genetics
Classification: Uncertain significance for Cardiovascular phenotype. Last evaluated: 2025-10-17. Review status: criteria provided, single submitter. Criteria: Ambry Variant Classification Scheme 2023. Collection method: clinical testing. Allele origin: germline.

Labcorp Genetics (formerly Invitae), Labcorp
Classification: Uncertain significance for Progressive familial heart block type IB. Last evaluated: 2024-07-17. Review status: criteria provided, single submitter. Criteria: Invitae Variant Classification Sherloc (09022015). Collection method: clinical testing. Allele origin: germline.
Comment: This sequence change replaces serine, which is neutral and polar, with leucine, which is neutral and non-polar, at codon 994 of the TRPM4 protein (p.Ser994Leu). This variant is present in population databases (rs575737661, gnomAD 0.0009%). This missense change has been observed in individual(s) with idiopathic ventricular fibrillation (PMID: 37227348). ClinVar contains an entry for this variant (Variation ID: 1426219). An algorithm developed to predict the effect of missense changes on protein structure and function (PolyPhen-2) suggests that this variant is likely to be tolerated. In summary, the available evidence is currently insufficient to determine the role of this variant in disease. Therefore, it has been classified as a Variant of Uncertain Significance.

Fulgent Genetics
Classification: Uncertain significance for Progressive familial heart block type IB; Erythrokeratodermia variabilis et progressiva 6. Last evaluated: 2021-08-23. Review status: criteria provided, single submitter. Criteria: ACMG Guidelines, 2015. Collection method: clinical testing. Allele origin: unknown.

Literature cited by the submitters: PubMed 37227348 (cited by Labcorp Genetics (formerly Invitae), Labcorp).

NM_017636.4(TRPM4):c.2981C>T (p.Ser994Leu)

Gene: TRPM4 (transient receptor potential cation channel subfamily M member 4; plus strand). Cytogenetic location: 19q13.33.
Variant type: single nucleotide variant.
Coding change: c.2981C>T on transcript NM_017636.4 (MANE Select); coding-DNA position 2981, C replaced by T.
Protein change: p.Ser994Leu; replaces serine 994 with leucine.
Molecular consequence: missense variant.
Genome position (GRCh38, 1-based): chr19:49,201,991, C>T. VCF-style: chr19-49201991-C-T. GRCh37 (hg19) VCF-style: chr19-49705248-C-T.
Other names: c.2546C>T, p.Ser849Leu (NM_001195227.2); c.2636C>T, p.Ser879Leu (NM_001321281.2); c.1373C>T, p.Ser458Leu (NM_001321282.2); c.2459C>T, p.Ser820Leu (NM_001321283.2); c.1919C>T, p.Ser640Leu (NM_001321285.2); short protein forms S458L, S820L, S849L, S640L, S879L, S994L.
Identifiers: ClinVar variation 1426219 (VCV001426219.10), dbSNP rs575737661, ClinGen allele CA309459251.